The following is an entry in ClinVar:

NM_000330.4(RS1):c.656G>A (p.Cys219Tyr)

Genes: CDKL5 (cyclin dependent kinase like 5; plus strand), RS1 (retinoschisin 1; minus strand). Cytogenetic location: Xp22.13.
Variant type: single nucleotide variant.
Coding change: c.656G>A on transcript NM_000330.4 (MANE Select); coding-DNA position 656, G replaced by A.
Protein change: p.Cys219Tyr; replaces cysteine 219 with tyrosine.
Molecular consequence: missense variant. On other transcripts: intron variant (2).
Genome position (GRCh38, 1-based): chrX:18,642,023, C>T on the plus strand (G>A on the coding strand, the complement: RS1 is on the minus strand). VCF-style: chrX-18642023-C-T. GRCh37 (hg19) VCF-style: chrX-18660143-C-T.
Other names: NM_000330.4(RS1):c.656G>A; p.Cys219Tyr; c.2714-3984C>T (NM_003159.3, NM_001037343.2); short protein forms C219Y.
Identifiers: ClinVar variation 1700721 (VCV001700721.7), dbSNP rs2147188856, ClinGen allele CA412370061.

ClinVar aggregate classification (germline): Likely pathogenic. Review status: reviewed by expert panel (3 of 4 stars). 3 submissions from 3 submitters: Likely pathogenic (1). 2 of the submissions do not count toward it. Last evaluated 2025-10-04.

Conditions:
Juvenile retinoschisis (RS1). Also called: X-Linked Juvenile Retinoschisis; X-linked retinoschisis. Identifiers: Orphanet 792, MedGen C3714753, MONDO:0010725, OMIM 312700.

Submissions (3):

ClinGen X-linked Inherited Retinal Disease Variant Curation Expert Panel, ClinGen
Classification: Likely pathogenic for Juvenile retinoschisis. Last evaluated: 2025-10-04. Review status: reviewed by expert panel. Criteria: ClinGen X LinkedIRD ACMG Specifications RS1 V1.0.0. Collection method: curation. Allele origin: germline. Inheritance: X-linked inheritance.
Comment: NM_000330.4(RS1):c.656G>A (p.Cys219Tyr) is a missense variant encoding the substitution of cysteine with tyrosine at amino acid 219. Another missense variant in the same codon, NM_000330.4(RS1):c.655T>G (p.Cys219Gly) has been classified as likely pathogenic for X-linked retinoschisis by the ClinGen X-linked IRD VCEP, while no benign missense variants have been identified in this codon. The present variant has a higher Grantham’s distance (194) than the comparison variant (159), and SpliceAI has been used to confirm that neither variant has a predicted impact on RS1 splicing (PM5_Supporting). This variant is absent from hemizygous individuals in gnomAD v4.1.0 (PM2_Supporting). At least one proband harboring this variant exhibits a phenotype of the appearance of schisis and reduced visual acuity before age 13 years, which together are specific for X-linked retinoschisis (PMID: 32300273, PMID: 33124204, PP4). The computational predictor REVEL gives a score of 0.979, which is above the ClinGen X-linked IRD VCEP threshold of >0.932 and predicts a damaging effect on RS1 function (PP3_Strong). The computational splicing predictor SpliceAI gives a delta score of 0.00 for all predictive splice changes, which is below the ClinGen X-linked IRD VCEP threshold of ≥0.2 and does not predict that the variant disrupts RS1 splicing. This variant is a missense substitution affecting a critical amino acid residue involved in disulfide bridge formation as defined by the ClinGen X-linked IRD VCEP (PMID: 26812435). PM1_Strong is not met as this code is ineligible to be used in combination with PP3_Strong. In summary, this variant is classified as likely pathogenic for X-linked retinoschisis based on the ACMG/AMP criteria applied, as specified by the ClinGen X-linked IRD VCEP: PM2_Supporting, PP3_Strong, PP4, and PM5_Supporting.

Labcorp Genetics (formerly Invitae), Labcorp
Classification: Pathogenic. Last evaluated: 2025-12-24. Review status: criteria provided, single submitter. Criteria: Invitae Variant Classification Sherloc (09022015). Collection method: clinical testing. Allele origin: germline. Not counted in ClinVar's aggregate classification.
Comment: This sequence change replaces cysteine, which is neutral and slightly polar, with tyrosine, which is neutral and polar, at codon 219 of the RS1 protein (p.Cys219Tyr). This variant is not present in population databases (gnomAD no frequency). This missense change has been observed in individual(s) with retinoschisis (PMID: 32300273). ClinVar contains an entry for this variant (Variation ID: 1700721). Invitae Evidence Modeling of protein sequence and biophysical properties (such as structural, functional, and spatial information, amino acid conservation, physicochemical variation, residue mobility, and thermodynamic stability) indicates that this missense variant is expected to disrupt RS1 protein function with a positive predictive value of 95%. Algorithms developed to predict the effect of sequence changes on RNA splicing suggest that this variant may create or strengthen a splice site. This variant disrupts the p.Cys219 amino acid residue in RS1. Other variant(s) that disrupt this residue have been determined to be pathogenic (PMID: 9618178). This suggests that this residue is clinically significant, and that variants that disrupt this residue are likely to be disease-causing. For these reasons, this variant has been classified as Pathogenic.

GeneDx
Classification: Likely pathogenic. Last evaluated: 2022-02-10. Review status: criteria provided, single submitter. Criteria: GeneDx Variant Classification Process June 2021. Collection method: clinical testing. Allele origin: germline. Affected: yes. Not counted in ClinVar's aggregate classification.
Comment: Not observed at significant frequency in large population cohorts (gnomAD); In silico analysis supports that this missense variant has a deleterious effect on protein structure/function; This variant is associated with the following publications: (PMID: 33090715, 32300273)

Literature cited by the submitters: PubMed 32300273 (cited by Labcorp Genetics (formerly Invitae), Labcorp); PubMed 9618178 (cited by Labcorp Genetics (formerly Invitae), Labcorp).